The following is an entry in ClinVar:

NM_004369.4(COL6A3):c.7136T>C (p.Leu2379Pro)

Gene: COL6A3 (collagen type VI alpha 3 chain; minus strand). Cytogenetic location: 2q37.3.
Variant type: single nucleotide variant.
Coding change: c.7136T>C on transcript NM_004369.4 (MANE Select); coding-DNA position 7136, T replaced by C.
Protein change: p.Leu2379Pro; replaces leucine 2379 with proline.
Molecular consequence: missense variant.
Genome position (GRCh38, 1-based): chr2:237,345,084, A>G on the plus strand (T>C on the coding strand, the complement: COL6A3 is on the minus strand). VCF-style: chr2-237345084-A-G. GRCh37 (hg19) VCF-style: chr2-238253727-A-G.
Other names: c.5315T>C, p.Leu1772Pro (NM_057166.5); c.6518T>C, p.Leu2173Pro (NM_057167.4); short protein forms L1772P, L2173P, L2379P.
Identifiers: ClinVar variation 4770059 (VCV004770059.1).
Genomic context (GRCh38, chr2:237,345,084, plus strand): 5'-TGCATTGTGAGACAACAGAAAATCATGTACTTACGGCATTTATCTTTGATGCTTTGGATG[A>G]GGGCACATTGCTTTAAAAGAAAATAAAAGAATATGTAAAGAGAGCAAATCAAAGGCTCAT-3'
Protein context (NP_004360.2, residues 2369-2389): NRGDSIDQCA[Leu2379Pro]IQSIKDKCPC

ClinVar aggregate classification (germline): Uncertain significance (1 of 4 stars; one submission).

Conditions:
Bethlem myopathy 1A. Also called: Bethlem myopathy 1; Bethlem Muscular Dystrophy; MYOPATHY, BENIGN CONGENITAL, WITH CONTRACTURES. Identifiers: Orphanet 610, MedGen CN029274, MONDO:0024530, OMIM 158810.

Submission:

Labcorp Genetics (formerly Invitae), Labcorp
Classification: Uncertain significance for Bethlem myopathy 1A. Last evaluated: 2025-07-24. Review status: criteria provided, single submitter. Criteria: Invitae Variant Classification Sherloc (09022015). Collection method: clinical testing. Allele origin: germline.
Comment: This sequence change replaces leucine, which is neutral and non-polar, with proline, which is neutral and non-polar, at codon 2379 of the COL6A3 protein (p.Leu2379Pro). This variant is not present in population databases (gnomAD no frequency). This variant has not been reported in the literature in individuals affected with COL6A3-related conditions. Invitae Evidence Modeling of protein sequence and biophysical properties (such as structural, functional, and spatial information, amino acid conservation, physicochemical variation, residue mobility, and thermodynamic stability) indicates that this missense variant is expected to disrupt COL6A3 protein function with a positive predictive value of 80%. In summary, the available evidence is currently insufficient to determine the role of this variant in disease. Therefore, it has been classified as a Variant of Uncertain Significance.